The following is an entry in ClinVar:

NM_001163435.3(TBCK):c.855A>G (p.Lys285=)

Gene: TBCK (TBC1 domain containing kinase; minus strand). Cytogenetic location: 4q24.
Variant type: single nucleotide variant.
Coding change: c.855A>G on transcript NM_001163435.3 (MANE Select); coding-DNA position 855, A replaced by G.
Protein change: p.Lys285=; no amino-acid change (lysine 285 retained).
Molecular consequence: synonymous variant.
Genome position (GRCh38, 1-based): chr4:106,247,215, T>C on the plus strand (A>G on the coding strand, the complement: TBCK is on the minus strand). VCF-style: chr4-106247215-T-C. GRCh37 (hg19) VCF-style: chr4-107168372-T-C.
Other names: c.855A>G, p.Lys285= (NM_001163436.4); c.738A>G, p.Lys246= (NM_001163437.3); c.339A>G, p.Lys113= (NM_001290768.2); c.666A>G, p.Lys222= (NM_033115.5).
Identifiers: ClinVar variation 2128147 (VCV002128147.4), dbSNP rs79412473, ClinGen allele CA3035269.
Genomic context (GRCh38, chr4:106,247,215, plus strand): 5'-GATATCCTCAGGCAGAGTTAAATCAGCACATCTCAGAGAAGATGAAAACAGACTGGCAGG[T>C]TTGGTAAAGGGGGTATATAAAGGTGATACCTCACTGAATACTTTGTCCTTCATTAATTGA-3'
Protein context (NP_001156907.2, residues 275-295): EVSPLYTPFT[Lys285=]PASLFSSSLR

ClinVar aggregate classification (germline): Uncertain significance (1 of 4 stars; one submission).

Allele frequency attached by ClinVar (database versions not stated): gnomAD exomes 0.00001.
gnomAD v4.1: 8 of 1,591,018 alleles (0.0005%); highest among the groups gnomAD compares: South Asian, 0.008%; no homozygotes.

Submission:

Labcorp Genetics (formerly Invitae), Labcorp
Classification: Uncertain significance. Last evaluated: 2022-04-19. Review status: criteria provided, single submitter. Criteria: Invitae Variant Classification Sherloc (09022015). Collection method: clinical testing. Allele origin: germline.
Comment: In summary, the available evidence is currently insufficient to determine the role of this variant in disease. Therefore, it has been classified as a Variant of Uncertain Significance. Algorithms developed to predict the effect of sequence changes on RNA splicing suggest that this variant may create or strengthen a splice site. This variant has not been reported in the literature in individuals affected with TBCK-related conditions. This variant is present in population databases (rs79412473, gnomAD 0.02%). This sequence change affects codon 285 of the TBCK mRNA. It is a 'silent' change, meaning that it does not change the encoded amino acid sequence of the TBCK protein.